The following is an entry in ClinVar:

ClinVar aggregate classification (germline): Pathogenic/Likely pathogenic. Review status: criteria provided, multiple submitters, no conflicts (2 of 4 stars). 2 submissions from 2 submitters: Pathogenic (1); Likely pathogenic (1). Last evaluated 2023-03-28.

Conditions:
Charcot-Marie-Tooth disease type 2. Also called: Charcot-Marie-Tooth type 2. Identifiers: Orphanet 64746, MedGen C0270914, MONDO:0018993.

Submissions (2):

Revvity Omics, Revvity
Classification: Likely pathogenic. Last evaluated: 2023-03-28. Review status: criteria provided, single submitter. Criteria: ACMG Guidelines, 2015. Collection method: clinical testing. Allele origin: germline.

Labcorp Genetics (formerly Invitae), Labcorp
Classification: Pathogenic for Charcot-Marie-Tooth disease type 2. Last evaluated: 2022-08-22. Review status: criteria provided, single submitter. Criteria: Invitae Variant Classification Sherloc (09022015). Collection method: clinical testing. Allele origin: germline.
Comment: This variant has not been reported in the literature in individuals affected with LMNA-related conditions. For these reasons, this variant has been classified as Pathogenic. This variant is not present in population databases (gnomAD no frequency). This sequence change creates a premature translational stop signal (p.Ile531Serfs*22) in the LMNA gene. It is expected to result in an absent or disrupted protein product. Loss-of-function variants in LMNA are known to be pathogenic (PMID: 18585512, 18926329).

Literature cited by the submitters: PubMed 18585512 (cited by Labcorp Genetics (formerly Invitae), Labcorp); PubMed 18926329 (cited by Labcorp Genetics (formerly Invitae), Labcorp).

NM_170707.4(LMNA):c.1587_1590dup (p.Ile531fs)

Gene: LMNA (lamin A/C; plus strand). Cytogenetic location: 1q22.
Variant type: Microsatellite.
Coding change: c.1587_1590dup on transcript NM_170707.4 (MANE Select); coding-DNA positions 1587 to 1590, 4 bases duplicated (TCTC; older notation c.1587_1590dupTCTC).
Protein change: p.Ile531fs; shifts the reading frame from isoleucine 531.
Molecular consequence: frameshift variant.
Genome position (GRCh38, 1-based): chr1:156,137,211-156,137,214, TCTC duplicated; duplicating any 4 consecutive bases within chr1:156,137,210-156,137,214 gives the same sequence; the c. name uses the placement nearest the transcript's 3' end. VCF-style (leftmost placement, unchanged base first): chr1-156137209-G-GCTCT. GRCh37 (hg19) VCF-style: chr1-156107000-G-GCTCT.
Other names: c.1251_1254dup, p.Ile419fs (NM_001257374.3); c.1344_1347dup, p.Ile450fs (NM_001282624.2); c.1587_1590dup, p.Ile531fs (NM_001282625.2, NM_001282626.2, NM_005572.4 and 1 more transcripts); short protein forms I419fs, I450fs, I531fs.
Identifiers: ClinVar variation 1451216 (VCV001451216.8), dbSNP rs2102896007, ClinGen allele CA2580611221.